The following is an entry in ClinVar:

ClinVar aggregate classification (germline): Pathogenic (1 of 4 stars; one submission).

Submission:

Dasa
Classification: Pathogenic. Last evaluated: 2025-01-09. Review status: criteria provided, single submitter. Criteria: DASA Assertion Criteria. Collection method: clinical testing. Allele origin: germline.
Comment: NM_004523.4(KIF11):c.387+1G>A introduces a premature termination codon predicted to result in loss of normal protein function. Loss-of-function is an established mechanism of disease for this gene. This variant has been recurrently observed in individuals with related phenotype (PMID: 24281367; PMID: 25996076). The variant is present at low frequency in population datasets. Based on the available data, this variant is classified as pathogenic.

Literature cited by the submitters: PubMed 24281367; PubMed 25996076.

NM_004523.4(KIF11):c.387+1G>A

Gene: KIF11 (kinesin family member 11; plus strand). Cytogenetic location: 10q23.33.
Variant type: single nucleotide variant.
Coding change: c.387+1G>A on transcript NM_004523.4 (MANE Select); the canonical splice donor site of the intron after coding-DNA position 387, G replaced by A.
Molecular consequence: splice donor variant.
Genome position (GRCh38, 1-based): chr10:92,607,238, G>A. VCF-style: chr10-92607238-G-A. GRCh37 (hg19) VCF-style: chr10-94366995-G-A.
Identifiers: ClinVar variation 4851977 (VCV004851977.1).
Genomic context (GRCh38, chr10:92,607,238, plus strand): 5'-GGAAAAACTTTTACAATGGAAGGTGAAAGGTCACCTAATGAAGAGTATACCTGGGAAGAG[G>A]TATTTATTGTTTATAACATACTTTTATCTCTAATGTGACTGAAATTTAACTGTATAAAAC-3'